The following is an entry in ClinVar:

NC_000006.11:g.(?_10556657)_(10626840_?)del

Gene: GCNT2 (glucosaminyl (N-acetyl) transferase 2 (I blood group); plus strand). Cytogenetic location: 6p24.3-24.2.
Variant type: Deletion.
Identifiers: ClinVar variation 2424190 (VCV002424190.3).

ClinVar aggregate classification (germline): Pathogenic (1 of 4 stars; one submission).

Conditions:
Cataract 13 with adult I phenotype. Identifiers: Orphanet 91492, MedGen C3805373, MONDO:0007289, OMIM 116700.

Submission:

Labcorp Genetics (formerly Invitae), Labcorp
Classification: Pathogenic for Cataract 13 with adult I phenotype. Last evaluated: 2022-06-09. Review status: criteria provided, single submitter. Criteria: Invitae Variant Classification Sherloc (09022015). Collection method: clinical testing. Allele origin: germline.
Comment: A gross deletion of the genomic region encompassing the full coding sequence of the GCNT2 gene has been identified. Loss-of-function variants in GCNT2 are known to be pathogenic (PMID: 21761136). The boundaries of this event are unknown as they extend beyond the assayed region for this gene and therefore may encompass additional genes. A similar copy number variant has been observed in individual(s) with adult i phenotype (PMID: 11739194). For these reasons, this variant has been classified as Pathogenic.

Literature cited by the submitters: PubMed 21761136; PubMed 11739194.